The following is an entry in ClinVar:

NM_017849.4(TMEM127):c.665C>A (p.Ala222Glu)

Gene: TMEM127 (transmembrane protein 127; minus strand). Cytogenetic location: 2q11.2.
Variant type: single nucleotide variant.
Coding change: c.665C>A on transcript NM_017849.4 (MANE Select); coding-DNA position 665, C replaced by A.
Protein change: p.Ala222Glu; replaces alanine 222 with glutamic acid.
Molecular consequence: missense variant.
Genome position (GRCh38, 1-based): chr2:96,253,860, G>T on the plus strand (C>A on the coding strand, the complement: TMEM127 is on the minus strand). VCF-style: chr2-96253860-G-T. GRCh37 (hg19) VCF-style: chr2-96919598-G-T.
Other names: c.665C>A, p.Ala222Glu (NM_001193304.3); c.413C>A, p.Ala138Glu (NM_001407282.1, NM_001407283.1); short protein forms A222E, A138E.
Identifiers: ClinVar variation 3969912 (VCV003969912.1).

ClinVar aggregate classification (germline): Uncertain significance (1 of 4 stars; one submission).

Conditions:
Hereditary cancer-predisposing syndrome. Also called: Tumor predisposition; Hereditary neoplastic syndrome; Hereditary Cancer Syndrome; Neoplastic Syndromes, Hereditary. Identifiers: Orphanet 140162, MedGen C0027672, MeSH D009386, MONDO:0015356.

gnomAD v4.1: 1 of 1,613,986 alleles (0.000062%); no homozygotes.

Submission:

Ambry Genetics
Classification: Uncertain significance for Hereditary cancer-predisposing syndrome. Last evaluated: 2025-06-12. Review status: criteria provided, single submitter. Criteria: Ambry Variant Classification Scheme 2023. Collection method: clinical testing. Allele origin: germline.
Comment: The p.A222E variant (also known as c.665C>A), located in coding exon 3 of the TMEM127 gene, results from a C to A substitution at nucleotide position 665. The alanine at codon 222 is replaced by glutamic acid, an amino acid with dissimilar properties. This amino acid position is conserved. In addition, the in silico prediction for this alteration is inconclusive. Based on the available evidence, the clinical significance of this variant remains unclear.